The following is an entry in ClinVar:

ClinVar aggregate classification (germline): Pathogenic (1 of 4 stars; one submission).

Conditions:
Autosomal recessive limb-girdle muscular dystrophy type 2A (LGMDR1). Also called: MUSCULAR DYSTROPHY, PELVOFEMORAL; Muscular dystrophy, limb-girdle, type 2A, Amish; Limb-girdle muscular dystrophy, type 2A; LEYDEN-MOEBIUS MUSCULAR DYSTROPHY; Calpainopathy. Identifiers: Orphanet 267, MedGen C1869123, MONDO:0009675, OMIM 253600. Disease mechanism: loss of function.

Submission:

Labcorp Genetics (formerly Invitae), Labcorp
Classification: Pathogenic for Autosomal recessive limb-girdle muscular dystrophy type 2A. Last evaluated: 2025-03-17. Review status: criteria provided, single submitter. Criteria: Invitae Variant Classification Sherloc (09022015). Collection method: clinical testing. Allele origin: germline.
Comment: This sequence change creates a premature translational stop signal (p.Pro637Hisfs*25) in the CAPN3 gene. It is expected to result in an absent or disrupted protein product. Loss-of-function variants in CAPN3 are known to be pathogenic (PMID: 10330340, 15689361). This variant is not present in population databases (gnomAD no frequency). This premature translational stop signal has been observed in individual(s) with clinical features of CAPN3-related conditions (PMID: 15689361, 27055500). For these reasons, this variant has been classified as Pathogenic.

Literature cited by the submitters: PubMed 10330340; PubMed 15689361; PubMed 27055500.

NM_000070.3(CAPN3):c.1910del (p.Pro637fs)

Gene: CAPN3 (calpain 3; plus strand). Cytogenetic location: 15q15.1.
Variant type: Deletion.
Coding change: c.1910del on transcript NM_000070.3 (MANE Select); coding-DNA position 1910, one base deleted (C; older notation c.1910delC).
Protein change: p.Pro637fs; shifts the reading frame from proline 637.
Molecular consequence: frameshift variant. On other transcripts: intron variant (3).
Genome position (GRCh38, 1-based): chr15:42,408,320, C deleted; the last of 4 consecutive C bases (chr15:42,408,317-42,408,320); deleting any one gives the same sequence. VCF-style (leftmost placement, unchanged base first): chr15-42408316-TC-T. GRCh37 (hg19) VCF-style: chr15-42700514-TC-T.
Other names: c.1892del, p.Pro631fs (NM_024344.2); c.374del, p.Pro125fs (NM_173088.2); c.1639-983del (NM_173087.2); c.-81-983del (NM_173090.2, NM_173089.2); short protein forms P125fs, P637fs, P631fs.
Identifiers: ClinVar variation 3721674 (VCV003721674.2).